The following is an entry in ClinVar:

NM_001737.5(C9):c.1416+4A>G

Gene: C9 (complement C9; minus strand). Cytogenetic location: 5p13.1.
Variant type: single nucleotide variant.
Coding change: c.1416+4A>G on transcript NM_001737.5 (MANE Select); 4 bases into the intron after coding-DNA position 1416, A replaced by G.
Molecular consequence: intron variant.
Genome position (GRCh38, 1-based): chr5:39,306,613, T>C on the plus strand (A>G on the coding strand, the complement: C9 is on the minus strand). VCF-style: chr5-39306613-T-C. GRCh37 (hg19) VCF-style: chr5-39306715-T-C.
Identifiers: ClinVar variation 2019666 (VCV002019666.4), dbSNP rs2479164529, ClinGen allele CA2580073277.

ClinVar aggregate classification (germline): Uncertain significance (1 of 4 stars; one submission).

Submission:

Labcorp Genetics (formerly Invitae), Labcorp
Classification: Uncertain significance. Last evaluated: 2022-08-14. Review status: criteria provided, single submitter. Criteria: Invitae Variant Classification Sherloc (09022015). Collection method: clinical testing. Allele origin: germline.
Comment: This variant has not been reported in the literature in individuals affected with C9-related conditions. Variants that disrupt the consensus splice site are a relatively common cause of aberrant splicing (PMID: 17576681, 9536098). Algorithms developed to predict the effect of sequence changes on RNA splicing suggest that this variant is not likely to affect RNA splicing. In summary, the available evidence is currently insufficient to determine the role of this variant in disease. Therefore, it has been classified as a Variant of Uncertain Significance. This variant is not present in population databases (gnomAD no frequency). This sequence change falls in intron 9 of the C9 gene. It does not directly change the encoded amino acid sequence of the C9 protein. It affects a nucleotide within the consensus splice site.

Literature cited by the submitters: PubMed 17576681; PubMed 9536098.